The following is an entry in ClinVar:

ClinVar aggregate classification (germline): Uncertain significance (1 of 4 stars; one submission).

Submission:

Labcorp Genetics (formerly Invitae), Labcorp
Classification: Uncertain significance. Last evaluated: 2026-01-11. Review status: criteria provided, single submitter. Criteria: Invitae Variant Classification Sherloc (09022015). Collection method: clinical testing. Allele origin: germline.
Comment: This sequence change replaces phenylalanine, which is neutral and non-polar, with leucine, which is neutral and non-polar, at codon 92 of the POLE2 protein (p.Phe92Leu). This variant is not present in population databases (gnomAD no frequency). This variant has not been reported in the literature in individuals affected with POLE2-related conditions. An algorithm developed to predict the effect of missense changes on protein structure and function (PolyPhen-2) suggests that this variant is likely to be tolerated. In summary, the available evidence is currently insufficient to determine the role of this variant in disease. Therefore, it has been classified as a Variant of Uncertain Significance.

NM_002692.4(POLE2):c.274T>C (p.Phe92Leu)

Gene: POLE2 (DNA polymerase epsilon 2, accessory subunit; minus strand). Cytogenetic location: 14q21.3.
Variant type: single nucleotide variant.
Coding change: c.274T>C on transcript NM_002692.4 (MANE Select); coding-DNA position 274, T replaced by C.
Protein change: p.Phe92Leu; replaces phenylalanine 92 with leucine.
Molecular consequence: missense variant. On other transcripts: intron variant (1).
Genome position (GRCh38, 1-based): chr14:49,674,399, A>G on the plus strand (T>C on the coding strand, the complement: POLE2 is on the minus strand). VCF-style: chr14-49674399-A-G. GRCh37 (hg19) VCF-style: chr14-50141117-A-G.
Other names: c.274T>C, p.Phe92Leu (NM_001197331.3, NM_001348384.2); c.43T>C, p.Phe15Leu (NM_001348385.2); c.246-183T>C (NM_001197330.2); short protein forms F92L, F15L.
Identifiers: ClinVar variation 4694290 (VCV004694290.1).